The following is an entry in ClinVar:

NM_199420.4(POLQ):c.2033C>G (p.Thr678Ser)

Gene: POLQ (DNA polymerase theta; minus strand). Cytogenetic location: 3q13.33.
Variant type: single nucleotide variant.
Coding change: c.2033C>G on transcript NM_199420.4 (MANE Select); coding-DNA position 2033, C replaced by G.
Protein change: p.Thr678Ser; replaces threonine 678 with serine.
Molecular consequence: missense variant.
Genome position (GRCh38, 1-based): chr3:121,498,597, G>C on the plus strand (C>G on the coding strand, the complement: POLQ is on the minus strand). VCF-style: chr3-121498597-G-C. GRCh37 (hg19) VCF-style: chr3-121217444-G-C.
Other names: short protein forms T678S.
Identifiers: ClinVar variation 1784787 (VCV001784787.2), dbSNP rs928277062, ClinGen allele CA81843366.
Genomic context (GRCh38, chr3:121,498,597, plus strand): 5'-ACACAACGGGCCAAGAACCCCTCTTCAACTCCCACTAGCTCTGCCACCCTTTTCATTGAA[G>C]TTGGCAACTTCTCCCATAAACAGAAAAATCGATACCAATCAATAGTAGTCCAATCCTCAA-3'
Protein context (NP_955452.3, residues 668-688): RFFCLWEKLP[Thr678Ser]SMKRVAELVG

ClinVar aggregate classification (germline): Uncertain significance (1 of 4 stars; one submission).

Allele frequency attached by ClinVar (database versions not stated): gnomAD 0.00001.
gnomAD v4.1: 2 of 1,613,902 alleles (0.00012%); highest among the groups gnomAD compares: Admixed American, 0.0017%; no homozygotes.

Submission:

Ambry Genetics
Classification: Uncertain significance. Last evaluated: 2021-10-19. Review status: criteria provided, single submitter. Criteria: Ambry Variant Classification Scheme 2023. Collection method: clinical testing. Allele origin: germline.
Comment: The p.T678S variant (also known as c.2033C>G), located in coding exon 13 of the POLQ gene, results from a C to G substitution at nucleotide position 2033. The threonine at codon 678 is replaced by serine, an amino acid with similar properties. This amino acid position is conserved. In addition, this alteration is predicted to be tolerated by in silico analysis. Since supporting evidence is limited at this time, the clinical significance of this alteration remains unclear.